The following is an entry in ClinVar:

ClinVar aggregate classification (germline): Uncertain significance (0 of 4 stars; one submission).

Conditions:
ERBIN-related disorder. Also called: ERBIN-related condition.

Allele frequency attached by ClinVar (database versions not stated): gnomAD exomes below 0.00001; gnomAD 0.00001.
gnomAD v4.1: 3 of 1,502,058 alleles (0.0002%); highest among the groups gnomAD compares: African/African-American, 0.0042%; no homozygotes.

Submission:

PreventionGenetics, part of Exact Sciences
Classification: Uncertain significance for ERBIN-related condition. Last evaluated: 2024-02-20. Review status: no assertion criteria provided. Collection method: clinical testing. Allele origin: germline.
Comment: The ERBIN c.899C>T variant is predicted to result in the amino acid substitution p.Ser300Leu. To our knowledge, this variant has not been reported in the literature or in a large population database, indicating this variant is rare. At this time, the clinical significance of this variant is uncertain due to the absence of conclusive functional and genetic evidence.

NM_001253697.2(ERBIN):c.899C>T (p.Ser300Leu)

Gene: ERBIN (erbb2 interacting protein; plus strand). Cytogenetic location: 5q12.3.
Variant type: single nucleotide variant.
Coding change: c.899C>T on transcript NM_001253697.2 (MANE Select); coding-DNA position 899, C replaced by T.
Protein change: p.Ser300Leu; replaces serine 300 with leucine.
Molecular consequence: missense variant.
Genome position (GRCh38, 1-based): chr5:66,025,856, C>T. VCF-style: chr5-66025856-C-T. GRCh37 (hg19) VCF-style: chr5-65321684-C-T.
Other names: c.899C>T, p.Ser300Leu (NM_001006600.3, NM_001253698.2, NM_001253699.2 and 2 more transcripts); short protein forms S300L.
Identifiers: ClinVar variation 3061072 (VCV003061072.2), dbSNP rs1756186709, ClinGen allele CA359975187.